The following is an entry in ClinVar:

NM_006766.5(KAT6A):c.2122G>A (p.Asp708Asn)

Gene: KAT6A (lysine acetyltransferase 6A; minus strand). Cytogenetic location: 8p11.21.
Variant type: single nucleotide variant.
Coding change: c.2122G>A on transcript NM_006766.5 (MANE Select); coding-DNA position 2122, G replaced by A.
Protein change: p.Asp708Asn; replaces aspartic acid 708 with asparagine.
Molecular consequence: missense variant.
Genome position (GRCh38, 1-based): chr8:41,943,854, C>T on the plus strand (G>A on the coding strand, the complement: KAT6A is on the minus strand). VCF-style: chr8-41943854-C-T. GRCh37 (hg19) VCF-style: chr8-41801372-C-T.
Other names: c.2122G>A, p.Asp708Asn (NM_001305878.2); short protein forms D708N.
Identifiers: ClinVar variation 3720527 (VCV003720527.2).

ClinVar aggregate classification (germline): Uncertain significance (1 of 4 stars; one submission).

Submission:

Labcorp Genetics (formerly Invitae), Labcorp
Classification: Uncertain significance. Last evaluated: 2025-01-07. Review status: criteria provided, single submitter. Criteria: Invitae Variant Classification Sherloc (09022015). Collection method: clinical testing. Allele origin: germline.
Comment: This sequence change replaces aspartic acid, which is acidic and polar, with asparagine, which is neutral and polar, at codon 708 of the KAT6A protein (p.Asp708Asn). This variant is not present in population databases (gnomAD no frequency). This variant has not been reported in the literature in individuals affected with KAT6A-related conditions. Invitae Evidence Modeling of protein sequence and biophysical properties (such as structural, functional, and spatial information, amino acid conservation, physicochemical variation, residue mobility, and thermodynamic stability) indicates that this missense variant is not expected to disrupt KAT6A protein function with a negative predictive value of 95%. In summary, the available evidence is currently insufficient to determine the role of this variant in disease. Therefore, it has been classified as a Variant of Uncertain Significance.